The following is an entry in ClinVar:

ClinVar aggregate classification (germline): Uncertain significance. Review status: criteria provided, multiple submitters, no conflicts (2 of 4 stars). 2 submissions from 2 submitters: Uncertain significance (2). Last evaluated 2025-02-20.

Conditions:
Hereditary cancer-predisposing syndrome. Also called: Hereditary Cancer Syndrome; Tumor predisposition; Neoplastic Syndromes, Hereditary; Hereditary neoplastic syndrome. Identifiers: Orphanet 140162, MedGen C0027672, MeSH D009386, MONDO:0015356.
Tuberous sclerosis 2 (TSC2). Identifiers: Orphanet 805, MedGen C1860707, MONDO:0013199, OMIM 613254.

Submissions (2):

Labcorp Genetics (formerly Invitae), Labcorp
Classification: Uncertain significance for Tuberous sclerosis 2. Last evaluated: 2025-02-20. Review status: criteria provided, single submitter. Criteria: Invitae Variant Classification Sherloc (09022015). Collection method: clinical testing. Allele origin: germline.
Comment: This sequence change replaces proline, which is neutral and non-polar, with threonine, which is neutral and polar, at codon 1770 of the TSC2 protein (p.Pro1770Thr). This variant is not present in population databases (gnomAD no frequency). This variant has not been reported in the literature in individuals affected with TSC2-related conditions. ClinVar contains an entry for this variant (Variation ID: 3232192). Invitae Evidence Modeling of protein sequence and biophysical properties (such as structural, functional, and spatial information, amino acid conservation, physicochemical variation, residue mobility, and thermodynamic stability) indicates that this missense variant is not expected to disrupt TSC2 protein function with a negative predictive value of 95%. In summary, the available evidence is currently insufficient to determine the role of this variant in disease. Therefore, it has been classified as a Variant of Uncertain Significance.

Ambry Genetics
Classification: Uncertain significance for Hereditary cancer-predisposing syndrome. Last evaluated: 2023-09-25. Review status: criteria provided, single submitter. Criteria: Ambry Variant Classification Scheme 2023. Collection method: clinical testing. Allele origin: germline.
Comment: The p.P1770T variant (also known as c.5308C>A), located in coding exon 41 of the TSC2 gene, results from a C to A substitution at nucleotide position 5308. The proline at codon 1770 is replaced by threonine, an amino acid with highly similar properties. This amino acid position is conserved. In addition, the in silico prediction for this alteration is inconclusive. Since supporting evidence is limited at this time, the clinical significance of this alteration remains unclear.

NM_000548.5(TSC2):c.5308C>A (p.Pro1770Thr)

Gene: TSC2 (TSC complex subunit 2; plus strand). Cytogenetic location: 16p13.3.
Variant type: single nucleotide variant.
Coding change: c.5308C>A on transcript NM_000548.5 (MANE Select); coding-DNA position 5308, C replaced by A.
Protein change: p.Pro1770Thr; replaces proline 1770 with threonine.
Molecular consequence: missense variant. On other transcripts: non-coding transcript variant (5).
Genome position (GRCh38, 1-based): chr16:2,088,494, C>A. VCF-style: chr16-2088494-C-A. GRCh37 (hg19) VCF-style: chr16-2138495-C-A.
Other names: c.4639C>A, p.Pro1547Thr (NM_001406682.1, NM_001406683.1); c.4636C>A, p.Pro1546Thr (NM_001406684.1); c.4510C>A, p.Pro1504Thr (NM_001406685.1, NM_001406686.1); c.4507C>A, p.Pro1503Thr (NM_001406687.1, NM_001406688.1); c.3895C>A, p.Pro1299Thr (NM_001406689.1); c.3835C>A, p.Pro1279Thr (NM_001406690.1); c.3832C>A, p.Pro1278Thr (NM_001406691.1); c.3766C>A, p.Pro1256Thr (NM_001406692.1, NM_001406693.1, NM_001406694.1); and 27 more; short protein forms P1169T, P1255T, P1256T, P1278T, P1279T, P1299T, P1503T, P1504T.
Identifiers: ClinVar variation 3232192 (VCV003232192.3), dbSNP rs761181064, ClinGen allele CA394315399.
Genomic context (GRCh38, chr16:2,088,494, plus strand): 5'-CTCTGCCTTCAGATCTGCGAGGAAGCCGCCTACTCCAACCCCAGCCTACCTCTGGTGCAC[C>A]CTCCGTCCCATAGCAAAGCCCCTGCACAGACTCCAGCCGAGCCCACACCTGGCTATGAGG-3'
Protein context (NP_000539.2, residues 1760-1780): YSNPSLPLVH[Pro1770Thr]PSHSKAPAQT